The following is an entry in ClinVar:

NM_000277.3(PAH):c.1315A>G (p.Ser439Gly)

Gene: PAH (phenylalanine hydroxylase; minus strand). Cytogenetic location: 12q23.2.
Variant type: single nucleotide variant.
Coding change: c.1315A>G on transcript NM_000277.3 (MANE Select); coding-DNA position 1315, A replaced by G.
Protein change: p.Ser439Gly; replaces serine 439 with glycine.
Molecular consequence: missense variant.
Genome position (GRCh38, 1-based): chr12:102,840,400, T>C on the plus strand (A>G on the coding strand, the complement: PAH is on the minus strand). VCF-style: chr12-102840400-T-C. GRCh37 (hg19) VCF-style: chr12-103234178-T-C.
Other names: c.1315A>G, p.Ser439Gly (NM_001354304.2); c.1315A>G (NM_000277.1); short protein forms S439G.
Identifiers: ClinVar variation 2445852 (VCV002445852.2), dbSNP rs989098970, ClinGen allele CA242743409.
Genomic context (GRCh38, chr12:102,840,400, plus strand): 5'-GGAAAGACAGTCTTCGATTACTGAGAAACCGAGTGGCCTCGTAAGGTGTAAATTACTTAC[T>C]GTTAATGGAATCAGCCAAAATCTTAAGCTGCTGGGTATTGTCCAAGACCTCAATCCTTTG-3'
Protein context (NP_000268.1, residues 429-449): QLKILADSIN[Ser439Gly]EIGILCSALQ

ClinVar aggregate classification (germline): Uncertain significance (1 of 4 stars; one submission).

Allele frequency attached by ClinVar (database versions not stated): gnomAD exomes below 0.00001; gnomAD 0.00001; TOPMed 0.00001.
gnomAD v4.1: 5 of 1,597,658 alleles (0.00031%); highest among the groups gnomAD compares: Admixed American, 0.0017%; no homozygotes.

Submission:

Women's Health and Genetics/Laboratory Corporation of America, LabCorp
Classification: Uncertain significance. Last evaluated: 2025-10-08. Review status: criteria provided, single submitter. Criteria: LabCorp Variant Classification Summary - May 2015. Collection method: clinical testing. Allele origin: germline.
Comment: Variant summary: PAH c.1315A>G (p.Ser439Gly) results in a non-conservative amino acid change located in the aromatic amino acid hydroxylase, C-terminal domain (IPR019774) of the encoded protein sequence. Algorithms developed to predict the effect of missense changes on protein structure and function all suggest that this variant is likely to be disruptive. Consensus agreement among computation tools predict no significant impact on normal splicing. However, these predictions have yet to be confirmed by functional studies. The variant allele was found at a frequency of 4e-06 in 251420 control chromosomes. The available data on variant occurrences in the general population are insufficient to allow any conclusion about variant significance. To our knowledge, no occurrence of c.1315A>G in individuals affected with PAH-related conditions and no experimental evidence demonstrating its impact on protein function have been reported. ClinVar contains an entry for this variant (Variation ID: 2445852). Based on the evidence outlined above, the variant was classified as uncertain significance.